The following is an entry in ClinVar:

NM_001330260.2(SCN8A):c.213C>A (p.Asp71Glu)

Genes: SCN8A (sodium voltage-gated channel alpha subunit 8; plus strand), LOC114803470 (SCN8A eExon liver enhancer; plus strand). Cytogenetic location: 12q13.13.
Variant type: single nucleotide variant.
Coding change: c.213C>A on transcript NM_001330260.2 (MANE Select); coding-DNA position 213, C replaced by A.
Protein change: p.Asp71Glu; replaces aspartic acid 71 with glutamic acid.
Molecular consequence: missense variant.
Genome position (GRCh38, 1-based): chr12:51,663,030, C>A. VCF-style: chr12-51663030-C-A. GRCh37 (hg19) VCF-style: chr12-52056814-C-A.
Other names: c.213C>A, p.Asp71Glu (NM_001177984.3, NM_001369788.1, NM_014191.4); c.213C>A (NM_014191.2); short protein forms D71E.
Identifiers: ClinVar variation 838632 (VCV000838632.3), dbSNP rs888638528, ClinGen allele CA385228340.

ClinVar aggregate classification (germline): Uncertain significance. Review status: criteria provided, multiple submitters, no conflicts (2 of 4 stars). 2 submissions from 2 submitters: Uncertain significance (2). Last evaluated 2025-01-27.

Conditions:
Developmental and epileptic encephalopathy. Identifiers: MedGen C5779964, MONDO:0100620.
Inborn genetic diseases. Identifiers: MedGen C0950123, MeSH D030342.

Submissions (2):

Ambry Genetics
Classification: Uncertain significance for Inborn genetic diseases. Last evaluated: 2025-01-27. Review status: criteria provided, single submitter. Criteria: Ambry Variant Classification Scheme 2023. Collection method: clinical testing. Allele origin: germline.

Labcorp Genetics (formerly Invitae), Labcorp
Classification: Uncertain significance for Early infantile epileptic encephalopathy with suppression bursts. Last evaluated: 2019-02-28. Review status: criteria provided, single submitter. Criteria: Invitae Variant Classification Sherloc (09022015). Collection method: clinical testing. Allele origin: germline.
Comment: This sequence change replaces aspartic acid with glutamic acid at codon 71 of the SCN8A protein (p.Asp71Glu). The aspartic acid residue is moderately conserved and there is a small physicochemical difference between aspartic acid and glutamic acid. This variant is not present in population databases (ExAC no frequency). This variant has not been reported in the literature in individuals with SCN8A-related conditions. Algorithms developed to predict the effect of missense changes on protein structure and function are either unavailable or do not agree on the potential impact of this missense change (SIFT: "Deleterious"; PolyPhen-2: "Possibly Damaging"; Align-GVGD: "Class C0"). In summary, the available evidence is currently insufficient to determine the role of this variant in disease. Therefore, it has been classified as a Variant of Uncertain Significance.